The following is an entry in ClinVar:

ClinVar aggregate classification (germline): Uncertain significance. Review status: criteria provided, multiple submitters, no conflicts (2 of 4 stars). 2 submissions from 2 submitters: Uncertain significance (2). Last evaluated 2024-05-15.

Allele frequency attached by ClinVar (database versions not stated): TOPMed below 0.00001; gnomAD 0.00001.
gnomAD v4.1: 1 of 1,610,896 alleles (0.000062%); highest among the groups gnomAD compares: East Asian, 0.0022%; no homozygotes.

Submissions (2):

Women's Health and Genetics/Laboratory Corporation of America, LabCorp
Classification: Uncertain significance. Last evaluated: 2024-05-15. Review status: criteria provided, single submitter. Criteria: LabCorp Variant Classification Summary - May 2015. Collection method: clinical testing. Allele origin: germline.
Comment: Variant summary: SLC12A3 c.836T>G (p.Met279Arg) results in a non-conservative amino acid change located in the Amino acid permease/ SLC12A domain (IPR004841) of the encoded protein sequence. Five of five in-silico tools predict a damaging effect of the variant on protein function. The variant allele was found at a frequency of 6.2e-07 in 1610896 control chromosomes. The available data on variant occurrences in the general population are insufficient to allow any conclusion about variant significance. c.836T>G has been reported in the literature in the heterozygous state, with no second variant identified, or as an uninformative genotype (i.e. zygosity not specified) in at least 2 individuals affected with Gitelman syndrome (example, Lu_2018, Mou_2023). These reports do not provide unequivocal conclusions about association of the variant with Familial Hypokalemia-Hypomagnesemia. To our knowledge, no experimental evidence demonstrating an impact on protein function has been reported. The following publications have been ascertained in the context of this evaluation (PMID: 29808706, 37702302). ClinVar contains an entry for this variant (Variation ID: 2159534). Based on the evidence outlined above, the variant was classified as uncertain significance.

Labcorp Genetics (formerly Invitae), Labcorp
Classification: Uncertain significance. Last evaluated: 2022-03-29. Review status: criteria provided, single submitter. Criteria: Invitae Variant Classification Sherloc (09022015). Collection method: clinical testing. Allele origin: germline.
Comment: This sequence change replaces methionine, which is neutral and non-polar, with arginine, which is basic and polar, at codon 279 of the SLC12A3 protein (p.Met279Arg). This variant is not present in population databases (gnomAD no frequency). This missense change has been observed in individual(s) with SLC12A3-related conditions (PMID: 29808706, 31398183). Advanced modeling of protein sequence and biophysical properties (such as structural, functional, and spatial information, amino acid conservation, physicochemical variation, residue mobility, and thermodynamic stability) performed at Invitae indicates that this missense variant is expected to disrupt SLC12A3 protein function. Algorithms developed to predict the effect of sequence changes on RNA splicing suggest that this variant may create or strengthen a splice site. In summary, the available evidence is currently insufficient to determine the role of this variant in disease. Therefore, it has been classified as a Variant of Uncertain Significance.

Literature cited by the submitters: PubMed 29808706 (cited by Women's Health and Genetics/Laboratory Corporation of America, LabCorp and Labcorp Genetics (formerly Invitae), Labcorp); PubMed 37702302 (cited by Women's Health and Genetics/Laboratory Corporation of America, LabCorp); PubMed 31398183 (cited by Labcorp Genetics (formerly Invitae), Labcorp).

NM_001126108.2(SLC12A3):c.836T>G (p.Met279Arg)

Gene: SLC12A3 (solute carrier family 12 member 3; plus strand). Cytogenetic location: 16q13.
Variant type: single nucleotide variant.
Coding change: c.836T>G on transcript NM_001126108.2 (MANE Select); coding-DNA position 836, T replaced by G.
Protein change: p.Met279Arg; replaces methionine 279 with arginine.
Molecular consequence: missense variant.
Genome position (GRCh38, 1-based): chr16:56,870,720, T>G. VCF-style: chr16-56870720-T-G. GRCh37 (hg19) VCF-style: chr16-56904632-T-G.
Other names: c.836T>G, p.Met279Arg (NM_000339.3); c.833T>G, p.Met278Arg (NM_001126107.2, NM_001410896.1); short protein forms M279R, M278R.
Identifiers: ClinVar variation 2159534 (VCV002159534.2), dbSNP rs1289282653, ClinGen allele CA395982291.
Genomic context (GRCh38, chr16:56,870,720, plus strand): 5'-ACATCCGCATCATTGCCGTGGTCTCGGTCACTGTGCTGCTGGCCATCTCCCTGGCTGGCA[T>G]GGAGTGGGAGTCCAAGGTGAGGAGGCCATGGAGGAGGGGGACATGGAGGTGGTCACGTGG-3'
Protein context (NP_001119580.2, residues 269-289): TVLLAISLAG[Met279Arg]EWESKAQVLF